The following is an entry in ClinVar:

NM_000531.6(OTC):c.1030G>C (p.Asp344His)

Gene: OTC (ornithine transcarbamylase; plus strand). Cytogenetic location: Xp11.4.
Variant type: single nucleotide variant.
Coding change: c.1030G>C on transcript NM_000531.6 (MANE Select); coding-DNA position 1030, G replaced by C.
Protein change: p.Asp344His; replaces aspartic acid 344 with histidine.
Molecular consequence: missense variant.
Genome position (GRCh38, 1-based): chrX:38,421,047, G>C. VCF-style: chrX-38421047-G-C. GRCh37 (hg19) VCF-style: chrX-38280300-G-C.
Other names: c.1030G>C, p.Asp344His (NM_001407092.1); short protein forms D344H.
Identifiers: ClinVar variation 3069293 (VCV003069293.1), dbSNP rs2519986968, ClinGen allele CA412728051.

ClinVar aggregate classification (germline): Uncertain significance (1 of 4 stars; one submission).

Conditions:
Ornithine carbamoyltransferase deficiency (OTCD). Also called: OTC DEFICIENCY; Ornithine Carbamoyltransferase Deficiency Disease; ORNITHINE TRANSCARBAMYLASE DEFICIENCY; ORNITHINE TRANSCARBAMYLASE DEFICIENCY, HYPERAMMONEMIA DUE TO. Identifiers: Orphanet 664, MedGen C0268542, MONDO:0010703, OMIM 311250.

Submission:

All of Us Research Program, National Institutes of Health
Classification: Uncertain significance for Ornithine carbamoyltransferase deficiency. Last evaluated: 2023-05-31. Review status: criteria provided, single submitter. Criteria: ACMG Guidelines, 2015. Collection method: clinical testing. Allele origin: germline. Inheritance: X-linked inheritance. Observed: 1 variant allele, 1 heterozygote.
Comment: This study involves interpretation of variants in research participants for the purpose of population health screening. Participant phenotype was not available at the time of variant classification. Additional details can be found in publication PMID: 35346344, PMCID: PMC8962531